The following is an entry in ClinVar:

ClinVar aggregate classification (germline): Uncertain significance. Review status: criteria provided, multiple submitters, no conflicts (2 of 4 stars). 2 submissions from 2 submitters: Uncertain significance (2). Last evaluated 2026-01-12.

Conditions:
Saldino-Mainzer syndrome (SRTD9). Also called: short-rib thoracic dysplasia 9 with or without polydactyly; Renal dysplasia, retinal pigmentary dystrophy, cerebellar ataxia and skeletal dysplasia; CONORENAL SYNDROME; SHORT-RIB THORACIC DYSPLASIA 9 WITHOUT POLYDACTYLY. Identifiers: Orphanet 140969, MedGen C1849437, MONDO:0009964, OMIM 266920.
Retinitis pigmentosa 80 (RP80). Identifiers: MedGen C4540439, MONDO:0054708, OMIM 617781.
Polycystic kidney disease 9, susceptibility to. Identifiers: MedGen C6012712, MONDO:0976267, OMIM 621164.
Cranioectodermal dysplasia 5. Identifiers: MedGen C6011237, MONDO:0976269, OMIM 621180.

Submissions (2):

Labcorp Genetics (formerly Invitae), Labcorp
Classification: Uncertain significance for Saldino-Mainzer syndrome. Last evaluated: 2026-01-12. Review status: criteria provided, single submitter. Criteria: Invitae Variant Classification Sherloc (09022015). Collection method: clinical testing. Allele origin: germline.
Comment: This variant, c.2092_2094del, results in the deletion of 1 amino acid(s) of the IFT140 protein (p.Phe698del), but otherwise preserves the integrity of the reading frame. This variant is present in population databases (rs768883274, gnomAD 0.007%). This variant has been observed in individual(s) with inherited retinal diseases (PMID: 36460718). Experimental studies and prediction algorithms are not available or were not evaluated, and the functional significance of this variant is currently unknown. In summary, the available evidence is currently insufficient to determine the role of this variant in disease. Therefore, it has been classified as a Variant of Uncertain Significance.

Juno Genomics, Hangzhou Juno Genomics, Inc
Classification: Uncertain significance for Retinitis pigmentosa 80; Saldino-Mainzer syndrome; Cranioectodermal dysplasia 5; Polycystic kidney disease 9, susceptibility to. Review status: criteria provided, single submitter. Criteria: ACMG Guidelines, 2015. Collection method: clinical testing. Allele origin: germline.
Comment: Absent from controls (or at extremely low frequency if recessive) in Genome Aggregation Database.;Protein length changes due to in-frame deletions/insertions in a non-repeat region or stop-loss variants.

Literature cited by the submitters: PubMed 36460718 (cited by Labcorp Genetics (formerly Invitae), Labcorp).

NM_014714.4(IFT140):c.2089TTC[1] (p.Phe698del)

Gene: IFT140 (intraflagellar transport 140; minus strand). Cytogenetic location: 16p13.3.
Variant type: Microsatellite.
Coding change: c.2089TTC[1] on transcript NM_014714.4 (MANE Select); one copy of the 3-base unit TTC starting at c.2089; the reference has two copies in a row; one copy, 3 bases deleted; also written c.2092_2094del.
Protein change: p.Phe698del; deletes phenylalanine 698.
Molecular consequence: inframe deletion.
Genome position (GRCh38, 1-based): chr16:1,562,090-1,562,092, GAA deleted on the plus strand (TTC on the coding strand, the reverse complement: IFT140 is on the minus strand); deleting any 3 consecutive bases within chr16:1,562,090-1,562,096 gives the same sequence; the position shown is the placement nearest the transcript's 3' end. VCF-style (leftmost placement, unchanged base first): chr16-1562089-TGAA-T. GRCh37 (hg19) VCF-style: chr16-1612090-TGAA-T.
Other names: c.2092_2094del (NM_014714.4); short protein forms F698del.
Identifiers: ClinVar variation 1384029 (VCV001384029.7), dbSNP rs768883274, ClinGen allele CA7814004.